The following is an entry in ClinVar:

NM_170754.4(TNS2):c.3696C>A (p.His1232Gln)

Gene: TNS2 (tensin 2; plus strand). Cytogenetic location: 12q13.13.
Variant type: single nucleotide variant.
Coding change: c.3696C>A on transcript NM_170754.4 (MANE Select); coding-DNA position 3696, C replaced by A.
Protein change: p.His1232Gln; replaces histidine 1232 with glutamine.
Molecular consequence: missense variant.
Genome position (GRCh38, 1-based): chr12:53,062,404, C>A. VCF-style: chr12-53062404-C-A. GRCh37 (hg19) VCF-style: chr12-53456188-C-A.
Other names: c.3696C>A, p.His1232Gln (NM_001416202.1); c.3654C>A, p.His1218Gln (NM_001416203.1); c.3723C>A, p.His1241Gln (NM_001416204.1); c.3627C>A, p.His1209Gln (NM_015319.3); c.3324C>A, p.His1108Gln (NM_198316.2); short protein forms H1232Q, H1108Q, H1242Q, H1209Q, H1218Q, H1241Q.
Identifiers: ClinVar variation 2093455 (VCV002093455.4), dbSNP rs199622713, ClinGen allele CA6592956.

ClinVar aggregate classification (germline): Uncertain significance (1 of 4 stars; one submission).

Allele frequency attached by ClinVar (database versions not stated): gnomAD 0.00001; 1000 Genomes Project 0.00040; ExAC 0.00002; 1000 Genomes Project 30x 0.00062.
gnomAD v4.1: 3 of 1,614,056 alleles (0.00019%); highest among the groups gnomAD compares: Admixed American, 0.0033%; no homozygotes.

Submission:

Labcorp Genetics (formerly Invitae), Labcorp
Classification: Uncertain significance. Last evaluated: 2025-06-12. Review status: criteria provided, single submitter. Criteria: Invitae Variant Classification Sherloc (09022015). Collection method: clinical testing. Allele origin: germline.
Comment: This sequence change replaces histidine, which is basic and polar, with glutamine, which is neutral and polar, at codon 1242 of the TNS2 protein (p.His1242Gln). This variant is present in population databases (rs199622713, gnomAD no frequency). This variant has not been reported in the literature in individuals affected with TNS2-related conditions. ClinVar contains an entry for this variant (Variation ID: 2093455). An algorithm developed to predict the effect of missense changes on protein structure and function (PolyPhen-2) suggests that this variant is likely to be disruptive. In summary, the available evidence is currently insufficient to determine the role of this variant in disease. Therefore, it has been classified as a Variant of Uncertain Significance.